The following is an entry in ClinVar:

ClinVar aggregate classification (germline): Uncertain significance (1 of 4 stars; one submission).

Conditions:
Myofibrillar myopathy 5. Also called: FILAMINOPATHY, AUTOSOMAL DOMINANT; Filaminopathy (type). Identifiers: Orphanet 171445, MedGen C1836050, MONDO:0012289, OMIM 609524.
Distal myopathy with posterior leg and anterior hand involvement. Also called: WILLIAMS DISTAL MYOPATHY. Identifiers: Orphanet 63273, MedGen C3279722, MONDO:0013550, OMIM 614065.
Hypertrophic cardiomyopathy 26. Also called: Cardiomyopathy, familial hypertrophic, 26. Identifiers: Orphanet 75249, MedGen C4310749, MONDO:0014883, OMIM 617047.

Submission:

Labcorp Genetics (formerly Invitae), Labcorp
Classification: Uncertain significance for Distal myopathy with posterior leg and anterior hand involvement; Myofibrillar myopathy 5; Hypertrophic cardiomyopathy 26. Last evaluated: 2026-01-04. Review status: criteria provided, single submitter. Criteria: Invitae Variant Classification Sherloc (09022015). Collection method: clinical testing. Allele origin: germline.
Comment: This sequence change replaces threonine, which is neutral and polar, with serine, which is neutral and polar, at codon 501 of the FLNC protein (p.Thr501Ser). This variant is not present in population databases (gnomAD no frequency). This variant has not been reported in the literature in individuals affected with FLNC-related conditions. Invitae Evidence Modeling of protein sequence and biophysical properties (such as structural, functional, and spatial information, amino acid conservation, physicochemical variation, residue mobility, and thermodynamic stability) has been performed for this missense variant. However, the output from this modeling did not meet the statistical confidence thresholds required to predict the impact of this variant on FLNC protein function. In summary, the available evidence is currently insufficient to determine the role of this variant in disease. Therefore, it has been classified as a Variant of Uncertain Significance.

NM_001458.5(FLNC):c.1502C>G (p.Thr501Ser)

Gene: FLNC (filamin C; plus strand). Cytogenetic location: 7q32.1.
Variant type: single nucleotide variant.
Coding change: c.1502C>G on transcript NM_001458.5 (MANE Select); coding-DNA position 1502, C replaced by G.
Protein change: p.Thr501Ser; replaces threonine 501 with serine.
Molecular consequence: missense variant.
Genome position (GRCh38, 1-based): chr7:128,840,113, C>G. VCF-style: chr7-128840113-C-G. GRCh37 (hg19) VCF-style: chr7-128480167-C-G.
Other names: c.1502C>G, p.Thr501Ser (NM_001127487.2); short protein forms T501S.
Identifiers: ClinVar variation 4812342 (VCV004812342.1).